The following is an entry in ClinVar:

ClinVar aggregate classification (germline): Uncertain significance. Review status: criteria provided, multiple submitters, no conflicts (2 of 4 stars). 2 submissions from 2 submitters: Uncertain significance (2). Last evaluated 2026-01-14.

Conditions:
Congenital myasthenic syndrome 2A. Also called: Myasthenic syndrome, congenital, 2a, slow-channel. Identifiers: Orphanet 590, MedGen C4225374, MONDO:0014581, OMIM 616313.

Allele frequency attached by ClinVar (database versions not stated): ExAC 0.00002; gnomAD exomes 0.00002; gnomAD 0.00004; TOPMed 0.00005.
gnomAD v4.1: 53 of 1,611,846 alleles (0.0033%); highest among the groups gnomAD compares: African/African-American, 0.013%; no homozygotes.

Submissions (2):

Labcorp Genetics (formerly Invitae), Labcorp
Classification: Uncertain significance for Congenital myasthenic syndrome 2A. Last evaluated: 2026-01-14. Review status: criteria provided, single submitter. Criteria: Invitae Variant Classification Sherloc (09022015). Collection method: clinical testing. Allele origin: germline.
Comment: This sequence change replaces leucine, which is neutral and non-polar, with valine, which is neutral and non-polar, at codon 63 of the CHRNB1 protein (p.Leu63Val). This variant is present in population databases (rs761035556, gnomAD 0.03%). This variant has not been reported in the literature in individuals affected with CHRNB1-related conditions. ClinVar contains an entry for this variant (Variation ID: 643000). Invitae Evidence Modeling of protein sequence and biophysical properties (such as structural, functional, and spatial information, amino acid conservation, physicochemical variation, residue mobility, and thermodynamic stability) indicates that this missense variant is not expected to disrupt CHRNB1 protein function with a negative predictive value of 80%. In summary, the available evidence is currently insufficient to determine the role of this variant in disease. Therefore, it has been classified as a Variant of Uncertain Significance.

Revvity Omics, Revvity
Classification: Uncertain significance. Last evaluated: 2019-06-07. Review status: criteria provided, single submitter. Criteria: ACMG Guidelines, 2015. Collection method: clinical testing. Allele origin: germline.

NM_000747.3(CHRNB1):c.187C>G (p.Leu63Val)

Gene: CHRNB1 (cholinergic receptor nicotinic beta 1 subunit; plus strand). Cytogenetic location: 17p13.1.
Variant type: single nucleotide variant.
Coding change: c.187C>G on transcript NM_000747.3 (MANE Select); coding-DNA position 187, C replaced by G.
Protein change: p.Leu63Val; replaces leucine 63 with valine.
Molecular consequence: missense variant.
Genome position (GRCh38, 1-based): chr17:7,445,398, C>G. VCF-style: chr17-7445398-C-G. GRCh37 (hg19) VCF-style: chr17-7348717-C-G.
Other names: short protein forms L63V.
Identifiers: ClinVar variation 643000 (VCV000643000.11), dbSNP rs761035556, ClinGen allele CA8347652.